The following is an entry in ClinVar:

ClinVar aggregate classification (germline): Uncertain significance. Review status: criteria provided, multiple submitters, no conflicts (2 of 4 stars). 3 submissions from 3 submitters: Uncertain significance (3). Last evaluated 2025-01-01.

Allele frequency attached by ClinVar (database versions not stated): gnomAD exomes below 0.00001.
gnomAD v4.1: 3 of 1,610,454 alleles (0.00019%); highest among the groups gnomAD compares: Non-Finnish European, 0.00025%; no homozygotes.

Submissions (3):

CeGaT Center for Human Genetics Tuebingen
Classification: Uncertain significance. Last evaluated: 2025-01-01. Review status: criteria provided, single submitter. Criteria: CeGaT Center For Human Genetics Tuebingen Variant Classification Criteria Version 2. Collection method: clinical testing. Allele origin: germline. Affected: yes. Observed: 2 variant alleles.
Comment: PRKDC: PM2

Blueprint Genetics
Classification: Uncertain significance. Last evaluated: 2021-09-01. Review status: criteria provided, single submitter. Criteria: ACMG Guidelines, 2015. Collection method: clinical testing. Allele origin: germline.

Ambry Genetics
Classification: Uncertain significance. Last evaluated: 2021-06-22. Review status: criteria provided, single submitter. Criteria: Ambry Variant Classification Scheme 2023. Collection method: clinical testing. Allele origin: germline.
Comment: The p.L919F variant (also known as c.2755C>T), located in coding exon 24 of the PRKDC gene, results from a C to T substitution at nucleotide position 2755. The leucine at codon 919 is replaced by phenylalanine, an amino acid with highly similar properties. This amino acid position is conserved. In addition, this alteration is predicted to be tolerated by in silico analysis. Since supporting evidence is limited at this time, the clinical significance of this alteration remains unclear.

NM_006904.7(PRKDC):c.2755C>T (p.Leu919Phe)

Gene: PRKDC (protein kinase, DNA-activated, catalytic subunit; minus strand). Cytogenetic location: 8q11.21.
Variant type: single nucleotide variant.
Coding change: c.2755C>T on transcript NM_006904.7 (MANE Select); coding-DNA position 2755, C replaced by T.
Protein change: p.Leu919Phe; replaces leucine 919 with phenylalanine.
Molecular consequence: missense variant.
Genome position (GRCh38, 1-based): chr8:47,913,927, G>A on the plus strand (C>T on the coding strand, the complement: PRKDC is on the minus strand). VCF-style: chr8-47913927-G-A. GRCh37 (hg19) VCF-style: chr8-48826487-G-A.
Other names: c.2755C>T, p.Leu919Phe (NM_001081640.2); short protein forms L919F.
Identifiers: ClinVar variation 871845 (VCV000871845.44), dbSNP rs1431074490, ClinGen allele CA371159090.